The following is an entry in ClinVar:

ClinVar aggregate classification (germline): Uncertain significance. Review status: criteria provided, multiple submitters, no conflicts (2 of 4 stars). 2 submissions from 2 submitters: Uncertain significance (2). Last evaluated 2025-03-28.

Conditions:
Inborn genetic diseases. Identifiers: MedGen C0950123, MeSH D030342.
Charcot-Marie-Tooth disease axonal type 2P. Also called: CHARCOT-MARIE-TOOTH NEUROPATHY, TYPE 2P; Charcot-Marie-Tooth Neuropathy Type 2G; CHARCOT-MARIE-TOOTH DISEASE, AXONAL, TYPE 2G; CMT 2G. Identifiers: Orphanet 300319, Orphanet 99941, MedGen C3280797, MONDO:0013753, OMIM 614436.

Allele frequency attached by ClinVar (database versions not stated): TOPMed below 0.00001; ExAC 0.00002; gnomAD exomes 0.00002.
gnomAD v4.1: 29 of 1,614,192 alleles (0.0018%); highest among the groups gnomAD compares: East Asian, 0.0022%; no homozygotes.

Submissions (2):

Labcorp Genetics (formerly Invitae), Labcorp
Classification: Uncertain significance for Charcot-Marie-Tooth disease axonal type 2P. Last evaluated: 2025-03-28. Review status: criteria provided, single submitter. Criteria: Invitae Variant Classification Sherloc (09022015). Collection method: clinical testing. Allele origin: germline.
Comment: This sequence change replaces arginine, which is basic and polar, with tryptophan, which is neutral and slightly polar, at codon 338 of the LRSAM1 protein (p.Arg338Trp). This variant is present in population databases (rs774505948, gnomAD 0.01%). This variant has not been reported in the literature in individuals affected with LRSAM1-related conditions. ClinVar contains an entry for this variant (Variation ID: 2178944). Invitae Evidence Modeling of protein sequence and biophysical properties (such as structural, functional, and spatial information, amino acid conservation, physicochemical variation, residue mobility, and thermodynamic stability) indicates that this missense variant is expected to disrupt LRSAM1 protein function with a positive predictive value of 80%. In summary, the available evidence is currently insufficient to determine the role of this variant in disease. Therefore, it has been classified as a Variant of Uncertain Significance.

Ambry Genetics
Classification: Uncertain significance for Inborn genetic diseases. Last evaluated: 2023-08-29. Review status: criteria provided, single submitter. Criteria: Ambry Variant Classification Scheme 2023. Collection method: clinical testing. Allele origin: germline.

Literature cited by the submitters: PubMed 34060689 (cited by Ambry Genetics).

NM_001005373.4(LRSAM1):c.1012C>T (p.Arg338Trp)

Gene: LRSAM1 (leucine rich repeat and sterile alpha motif containing 1; plus strand). Cytogenetic location: 9q33.3.
Variant type: single nucleotide variant.
Coding change: c.1012C>T on transcript NM_001005373.4 (MANE Select); coding-DNA position 1012, C replaced by T.
Protein change: p.Arg338Trp; replaces arginine 338 with tryptophan.
Molecular consequence: missense variant. On other transcripts: non-coding transcript variant (2).
Genome position (GRCh38, 1-based): chr9:127,479,947, C>T. VCF-style: chr9-127479947-C-T. GRCh37 (hg19) VCF-style: chr9-130242226-C-T.
Other names: c.1012C>T (NM_138361.4); c.1012C>T, p.Arg338Trp (NM_001005374.4, NM_001190723.3, NM_001384142.1 and 2 more transcripts); c.223C>T, p.Arg75Trp (NM_001384144.1); short protein forms R338W, R75W.
Identifiers: ClinVar variation 2178944 (VCV002178944.6), dbSNP rs774505948, ClinGen allele CA5246783.